The following is an entry in ClinVar:

ClinVar aggregate classification (germline): Conflicting classifications of pathogenicity. Review status: criteria provided, conflicting classifications (1 of 4 stars). 3 submissions from 3 submitters: Uncertain significance (2); Likely benign (1). Last evaluated 2025-05-28.

Conditions:
Inborn genetic diseases. Identifiers: MedGen C0950123, MeSH D030342.

Allele frequency attached by ClinVar (database versions not stated): ESP Exome Variant Server 0.00008; TOPMed 0.00002; gnomAD 0.00003; ExAC 0.00004.
gnomAD v4.1: 17 of 1,613,998 alleles (0.0011%); highest among the groups gnomAD compares: East Asian, 0.0045%; no homozygotes.

Submissions (3):

Ambry Genetics
Classification: Likely benign for Inborn genetic diseases. Last evaluated: 2025-05-28. Review status: criteria provided, single submitter. Criteria: Ambry Variant Classification Scheme 2023. Collection method: clinical testing. Allele origin: germline.

CeGaT Center for Human Genetics Tuebingen
Classification: Uncertain significance. Last evaluated: 2023-04-01. Review status: criteria provided, single submitter. Criteria: CeGaT Center For Human Genetics Tuebingen Variant Classification Criteria Version 2. Collection method: clinical testing. Allele origin: germline. Affected: yes. Observed: 1 variant allele.
Comment: MCPH1: PM2, BP4

Labcorp Genetics (formerly Invitae), Labcorp
Classification: Uncertain significance. Last evaluated: 2022-04-09. Review status: criteria provided, single submitter. Criteria: Invitae Variant Classification Sherloc (09022015). Collection method: clinical testing. Allele origin: germline.
Comment: This sequence change replaces isoleucine, which is neutral and non-polar, with threonine, which is neutral and polar, at codon 274 of the MCPH1 protein (p.Ile274Thr). This variant is present in population databases (rs368612589, gnomAD 0.01%). This variant has not been reported in the literature in individuals affected with MCPH1-related conditions. Algorithms developed to predict the effect of missense changes on protein structure and function output the following: SIFT: "Not Available"; PolyPhen-2: "Benign"; Align-GVGD: "Not Available". The threonine amino acid residue is found in multiple mammalian species, which suggests that this missense change does not adversely affect protein function. In summary, the available evidence is currently insufficient to determine the role of this variant in disease. Therefore, it has been classified as a Variant of Uncertain Significance.

NM_024596.5(MCPH1):c.821T>C (p.Ile274Thr)

Gene: MCPH1 (microcephalin 1; plus strand). Cytogenetic location: 8p23.1.
Variant type: single nucleotide variant.
Coding change: c.821T>C on transcript NM_024596.5 (MANE Select); coding-DNA position 821, T replaced by C.
Protein change: p.Ile274Thr; replaces isoleucine 274 with threonine.
Molecular consequence: missense variant. On other transcripts: non-coding transcript variant (1).
Genome position (GRCh38, 1-based): chr8:6,444,543, T>C. VCF-style: chr8-6444543-T-C. GRCh37 (hg19) VCF-style: chr8-6302064-T-C.
Other names: c.821T>C, p.Ile274Thr (NM_001172574.2, NM_001322042.2, NM_001363979.1 and 3 more transcripts); c.677T>C, p.Ile226Thr (NM_001172575.2); c.815T>C, p.Ile272Thr (NM_001322043.2); c.719T>C, p.Ile240Thr (NM_001322045.2); c.821T>C (NM_024596.3); short protein forms I226T, I240T, I274T, I272T.
Identifiers: ClinVar variation 2172309 (VCV002172309.25), dbSNP rs368612589, ClinGen allele CA4610389.
Genomic context (GRCh38, chr8:6,444,543, plus strand): 5'-CCATTAATGACATTAAAAGTGATGTGTGTATTTCTTCACTTGTATTGAAAGCAAATAATA[T>C]TCATTCATCACCATCTTTCACTCACCTCGATAAATCAAGTCCTCAGAAATTTCTGAGTAA-3'
Protein context (NP_078872.3, residues 264-284): ISSLVLKANN[Ile274Thr]HSSPSFTHLD